The following is an entry in ClinVar:

NM_000051.4(ATM):c.5416A>G (p.Ile1806Val)

Gene: ATM (ATM serine/threonine kinase; plus strand). Cytogenetic location: 11q22.3.
Variant type: single nucleotide variant.
Coding change: c.5416A>G on transcript NM_000051.4 (MANE Select); coding-DNA position 5416, A replaced by G.
Protein change: p.Ile1806Val; replaces isoleucine 1806 with valine.
Molecular consequence: missense variant.
Genome position (GRCh38, 1-based): chr11:108,302,949, A>G. VCF-style: chr11-108302949-A-G. GRCh37 (hg19) VCF-style: chr11-108173676-A-G.
Other names: c.5416A>G, p.Ile1806Val (NM_001351834.2); short protein forms I1806V.
Identifiers: ClinVar variation 1747392 (VCV001747392.7), dbSNP rs1565479163, ClinGen allele CA382543864.
Genomic context (GRCh38, chr11:108,302,949, plus strand): 5'-TTTGAAGGCCTGGATGATATAAATCTGTGGATTCCTCTAAGTGAAAATCATGACATTTGG[A>G]TAAAGACACTGACTTGTGCTTTTTTGGACAGTGGAGGCACAAAATGTGAAATTCTTCAAT-3'
Protein context (NP_000042.3, residues 1796-1816): IPLSENHDIW[Ile1806Val]KTLTCAFLDS

ClinVar aggregate classification (germline): Uncertain significance. Review status: criteria provided, multiple submitters, no conflicts (2 of 4 stars). 2 submissions from 2 submitters: Uncertain significance (2). Last evaluated 2025-01-23.

Conditions:
Hereditary cancer-predisposing syndrome. Also called: Neoplastic Syndromes, Hereditary; Tumor predisposition; Hereditary Cancer Syndrome; Hereditary neoplastic syndrome. Identifiers: Orphanet 140162, MedGen C0027672, MeSH D009386, MONDO:0015356.
Ataxia-telangiectasia syndrome (AT). Also called: LOUIS-BAR SYNDROME; Cerebello-oculocutaneous telangiectasia; Immunodeficiency with ataxia telangiectasia; Ataxia-telangiectasia, complementation group D; AT, COMPLEMENTATION GROUP C; ATAXIA-TELANGIECTASIA, COMPLEMENTATION GROUP A. Identifiers: Orphanet 100, MedGen C0004135, MONDO:0008840, OMIM 208900.

Allele frequency attached by ClinVar (database versions not stated): gnomAD exomes below 0.00001.
gnomAD v4.1: 1 of 1,613,534 alleles (0.000062%); highest among the groups gnomAD compares: East Asian, 0.0022%; no homozygotes.

Submissions (2):

Labcorp Genetics (formerly Invitae), Labcorp
Classification: Uncertain significance for Ataxia-telangiectasia syndrome. Last evaluated: 2025-01-23. Review status: criteria provided, single submitter. Criteria: Invitae Variant Classification Sherloc (09022015). Collection method: clinical testing. Allele origin: germline.
Comment: This sequence change replaces isoleucine, which is neutral and non-polar, with valine, which is neutral and non-polar, at codon 1806 of the ATM protein (p.Ile1806Val). This variant is not present in population databases (gnomAD no frequency). This variant has not been reported in the literature in individuals affected with ATM-related conditions. ClinVar contains an entry for this variant (Variation ID: 1747392). Invitae Evidence Modeling of protein sequence and biophysical properties (such as structural, functional, and spatial information, amino acid conservation, physicochemical variation, residue mobility, and thermodynamic stability) indicates that this missense variant is not expected to disrupt ATM protein function with a negative predictive value of 95%. Algorithms developed to predict the effect of sequence changes on RNA splicing suggest that this variant may create or strengthen a splice site. In summary, the available evidence is currently insufficient to determine the role of this variant in disease. Therefore, it has been classified as a Variant of Uncertain Significance.

Ambry Genetics
Classification: Uncertain significance for Hereditary cancer-predisposing syndrome. Last evaluated: 2017-09-25. Review status: criteria provided, single submitter. Criteria: Ambry Variant Classification Scheme 2023. Collection method: clinical testing. Allele origin: germline.
Comment: The p.I1806V variant (also known as c.5416A>G), located in coding exon 35 of the ATM gene, results from an A to G substitution at nucleotide position 5416. The isoleucine at codon 1806 is replaced by valine, an amino acid with highly similar properties. This amino acid position is well conserved in available vertebrate species. In addition, this alteration is predicted to be tolerated by in silico analysis. Since supporting evidence is limited at this time, the clinical significance of this alteration remains unclear.